The following is an entry in ClinVar:

ClinVar aggregate classification (germline): Benign/Likely benign. Review status: criteria provided, multiple submitters, no conflicts (2 of 4 stars). 6 submissions from 6 submitters: Benign (1); Likely benign (4). 1 of the submissions does not count toward it. Last evaluated 2026-08-01.

Conditions:
DNA2-related disorder. Also called: DNA2-related condition.

Allele frequency attached by ClinVar (database versions not stated): ExAC 0.00077; gnomAD 0.00242; ESP Exome Variant Server 0.00243; TOPMed 0.00277; 1000 Genomes Project 0.00339; 1000 Genomes Project 30x 0.00453.
gnomAD v4.1: 672 of 1,553,942 alleles (0.043%); highest among the groups gnomAD compares: African/African-American, 0.82%; 8 homozygotes.

Submissions (6):

CeGaT Center for Human Genetics Tuebingen
Classification: Likely benign. Last evaluated: 2026-08-01. Review status: criteria provided, single submitter. Criteria: CeGaT Center For Human Genetics Tuebingen Variant Classification Criteria Version 2. Collection method: clinical testing. Allele origin: germline. Affected: yes. Observed: 2 variant alleles.
Comment: DNA2: BP4, BP7

Labcorp Genetics (formerly Invitae), Labcorp
Classification: Likely benign. Last evaluated: 2026-01-19. Review status: criteria provided, single submitter. Criteria: Invitae Variant Classification Sherloc (09022015). Collection method: clinical testing. Allele origin: germline.

Blueprint Genetics
Classification: Likely benign. Last evaluated: 2024-11-01. Review status: criteria provided, single submitter. Criteria: ACMG Guidelines, 2015. Collection method: clinical testing. Allele origin: germline.

GeneDx
Classification: Benign. Last evaluated: 2020-06-12. Review status: criteria provided, single submitter. Criteria: GeneDx Variant Classification Process June 2021. Collection method: clinical testing. Allele origin: germline. Affected: yes.

Breakthrough Genomics
Classification: Likely benign. Review status: criteria provided, single submitter. Criteria: ACMG Guidelines, 2015. Collection method: not provided. Allele origin: germline. Inheritance: Autosomal recessive inheritance. Affected: yes.

PreventionGenetics, part of Exact Sciences
Classification: Benign for DNA2-related condition. Last evaluated: 2019-06-12. Review status: no assertion criteria provided. Collection method: clinical testing. Allele origin: germline. Not counted in ClinVar's aggregate classification.
Comment: This variant is classified as benign based on ACMG/AMP sequence variant interpretation guidelines (Richards et al. 2015 PMID: 25741868, with internal and published modifications).

NM_001080449.3(DNA2):c.720G>T (p.Leu240=)

Gene: DNA2 (DNA replication helicase/nuclease 2; minus strand). Cytogenetic location: 10q21.3.
Variant type: single nucleotide variant.
Coding change: c.720G>T on transcript NM_001080449.3 (MANE Select); coding-DNA position 720, G replaced by T.
Protein change: p.Leu240=; no amino-acid change (leucine 240 retained).
Molecular consequence: synonymous variant. On other transcripts: non-coding transcript variant (1).
Genome position (GRCh38, 1-based): chr10:68,450,247, C>A on the plus strand (G>T on the coding strand, the complement: DNA2 is on the minus strand). VCF-style: chr10-68450247-C-A. GRCh37 (hg19) VCF-style: chr10-70210004-C-A.
Identifiers: ClinVar variation 385580 (VCV000385580.54), dbSNP rs199878321, ClinGen allele CA5525219.